The following is an entry in ClinVar:

NM_002430.3(MN1):c.240A>G (p.Ala80=)

Gene: MN1 (MN1 proto-oncogene, transcriptional regulator; minus strand). Cytogenetic location: 22q12.1.
Variant type: single nucleotide variant.
Coding change: c.240A>G on transcript NM_002430.3 (MANE Select); coding-DNA position 240, A replaced by G.
Protein change: p.Ala80=; no amino-acid change (alanine 80 retained).
Molecular consequence: synonymous variant.
Genome position (GRCh38, 1-based): chr22:27,800,304, T>C on the plus strand (A>G on the coding strand, the complement: MN1 is on the minus strand). VCF-style: chr22-27800304-T-C. GRCh37 (hg19) VCF-style: chr22-28196292-T-C.
Identifiers: ClinVar variation 4872684 (VCV004872684.2).

ClinVar aggregate classification (germline): Likely benign (1 of 4 stars; one submission).

gnomAD v4.1: 387 of 1,576,868 alleles (0.025%); highest among the groups gnomAD compares: Non-Finnish European, 0.032%; no homozygotes.

Submission:

CeGaT Center for Human Genetics Tuebingen
Classification: Likely benign. Last evaluated: 2026-09-01. Review status: criteria provided, single submitter. Criteria: CeGaT Center For Human Genetics Tuebingen Variant Classification Criteria Version 2. Collection method: clinical testing. Allele origin: germline. Affected: yes. Observed: 2 variant alleles.
Comment: MN1: BP4, BP7